The following is an entry in ClinVar:

ClinVar aggregate classification (germline): Uncertain significance (1 of 4 stars; one submission).

Conditions:
Epidermolysis bullosa simplex 3, localized or generalized intermediate, with BP230 deficiency (EBS3). Also called: Epidermolysis bullosa simplex due to BP230 deficiency; Epidermolysis bullosa simplex, autosomal recessive 2. Identifiers: Orphanet 412181, MedGen C3809470, MONDO:0014180, OMIM 615425.
Hereditary sensory and autonomic neuropathy type 6. Also called: Neuropathy, hereditary sensory and autonomic, type VI; HSAN VI. Identifiers: Orphanet 314381, MedGen C3539003, MONDO:0013839, OMIM 614653.

Allele frequency attached by ClinVar (database versions not stated): TOPMed below 0.00001; gnomAD 0.00001; gnomAD exomes 0.00001 and 0.00002; ExAC 0.00003; ESP Exome Variant Server 0.00008.
gnomAD v4.1: 16 of 1,612,032 alleles (0.00099%); highest among the groups gnomAD compares: Non-Finnish European, 0.0014%; no homozygotes.

Submission:

Labcorp Genetics (formerly Invitae), Labcorp
Classification: Uncertain significance for Epidermolysis bullosa simplex 3, localized or generalized intermediate, with BP230 deficiency; Hereditary sensory and autonomic neuropathy type 6. Last evaluated: 2022-07-05. Review status: criteria provided, single submitter. Criteria: Invitae Variant Classification Sherloc (09022015). Collection method: clinical testing. Allele origin: germline.
Comment: In summary, the available evidence is currently insufficient to determine the role of this variant in disease. Therefore, it has been classified as a Variant of Uncertain Significance. Experimental studies and prediction algorithms are not available or were not evaluated, and the functional significance of this variant is currently unknown. This variant has not been reported in the literature in individuals affected with DST-related conditions. This variant is present in population databases (rs368605712, gnomAD 0.005%). This sequence change replaces aspartic acid, which is acidic and polar, with glutamic acid, which is acidic and polar, at codon 3422 of the DST protein (p.Asp3422Glu). The DST gene has multiple clinically relevant transcripts. This variant occurs in alternate transcript NM_015548.4, and corresponds to NM_001723.5:c.*97902C>G in the primary transcript.

NM_001374736.1(DST):c.18135C>G (p.Asp6045Glu)

Gene: DST (dystonin; minus strand). Cytogenetic location: 6p12.1.
Variant type: single nucleotide variant.
Coding change: c.18135C>G on transcript NM_001374736.1 (MANE Select); coding-DNA position 18135, C replaced by G.
Protein change: p.Asp6045Glu; replaces aspartic acid 6045 with glutamic acid.
Molecular consequence: missense variant.
Genome position (GRCh38, 1-based): chr6:56,517,615, G>C on the plus strand (C>G on the coding strand, the complement: DST is on the minus strand). VCF-style: chr6-56517615-G-C. GRCh37 (hg19) VCF-style: chr6-56382413-G-C.
Other names: c.11778C>G, p.Asp3926Glu (NM_001144769.5); c.11364C>G, p.Asp3788Glu (NM_001144770.2); c.18135C>G, p.Asp6045Glu (NM_001374722.1); c.17175C>G, p.Asp5725Glu (NM_001374729.1); c.10917C>G, p.Asp3639Glu (NM_001374730.1); c.18162C>G, p.Asp6054Glu (NM_001374734.1); c.10266C>G, p.Asp3422Glu (NM_015548.5); c.11244C>G, p.Asp3748Glu (NM_183380.4); short protein forms D3639E, D3748E, D5725E, D3422E, D3788E, D6045E, D3926E, D6054E.
Identifiers: ClinVar variation 972599 (VCV000972599.10), dbSNP rs368605712, ClinGen allele CA3867281.